The following is an entry in ClinVar:

NM_003239.5(TGFB3):c.912dup (p.Asn305fs)

Gene: TGFB3 (transforming growth factor beta 3; minus strand). Cytogenetic location: 14q24.3.
Variant type: Duplication.
Coding change: c.912dup on transcript NM_003239.5 (MANE Select); coding-DNA position 912, one base duplicated (C; older notation c.912dupC).
Protein change: p.Asn305fs; shifts the reading frame from asparagine 305.
Molecular consequence: frameshift variant.
Genome position (GRCh38, 1-based): chr14:75,963,330, G duplicated on the plus strand (C on the coding strand, the reverse complement: TGFB3 is on the minus strand); the first of 2 consecutive G bases (chr14:75,963,330-75,963,331); duplicating either gives the same sequence. VCF-style (leftmost placement, unchanged base first): chr14-75963329-T-TG. GRCh37 (hg19) VCF-style: chr14-76429672-T-TG.
Other names: c.912dup, p.Asn305fs (NM_001329938.2, NM_001329939.2); short protein forms N305fs.
Identifiers: ClinVar variation 2084927 (VCV002084927.4), dbSNP rs2504099601, ClinGen allele CA2580088788.

ClinVar aggregate classification (germline): Pathogenic (1 of 4 stars; one submission).

Conditions:
Rienhoff syndrome. Also called: LOEYS-DIETZ SYNDROME 5. Identifiers: MedGen C3810012, MONDO:0014262, OMIM 615582.

Submission:

Labcorp Genetics (formerly Invitae), Labcorp
Classification: Pathogenic for Rienhoff syndrome. Last evaluated: 2022-01-16. Review status: criteria provided, single submitter. Criteria: Invitae Variant Classification Sherloc (09022015). Collection method: clinical testing. Allele origin: germline.
Comment: This sequence change creates a premature translational stop signal (p.Asn305Glnfs*19) in the TGFB3 gene. It is expected to result in an absent or disrupted protein product. Loss-of-function variants in TGFB3 are known to be pathogenic (PMID: 25835445, 26188975). For these reasons, this variant has been classified as Pathogenic. This variant has not been reported in the literature in individuals affected with TGFB3-related conditions. This variant is not present in population databases (gnomAD no frequency).

Literature cited by the submitters: PubMed 25835445; PubMed 26188975.